The following is an entry in ClinVar:

ClinVar aggregate classification (germline): Uncertain significance (1 of 4 stars; one submission).

Allele frequency attached by ClinVar (database versions not stated): gnomAD 0.00001; gnomAD exomes 0.00001.

Submission:

Labcorp Genetics (formerly Invitae), Labcorp
Classification: Uncertain significance. Last evaluated: 2024-10-03. Review status: criteria provided, single submitter. Criteria: Invitae Variant Classification Sherloc (09022015). Collection method: clinical testing. Allele origin: germline.
Comment: This sequence change replaces asparagine, which is neutral and polar, with serine, which is neutral and polar, at codon 212 of the POC5 protein (p.Asn212Ser). This variant is not present in population databases (gnomAD no frequency). This variant has not been reported in the literature in individuals affected with POC5-related conditions. An algorithm developed to predict the effect of missense changes on protein structure and function outputs the following: PolyPhen-2: "Benign". The serine amino acid residue is found in multiple mammalian species, which suggests that this missense change does not adversely affect protein function. In summary, the available evidence is currently insufficient to determine the role of this variant in disease. Therefore, it has been classified as a Variant of Uncertain Significance.

NM_001099271.2(POC5):c.635A>G (p.Asn212Ser)

Gene: POC5 (POC5 centriolar protein; minus strand). Cytogenetic location: 5q13.3.
Variant type: single nucleotide variant.
Coding change: c.635A>G on transcript NM_001099271.2 (MANE Select); coding-DNA position 635, A replaced by G.
Protein change: p.Asn212Ser; replaces asparagine 212 with serine.
Molecular consequence: missense variant.
Genome position (GRCh38, 1-based): chr5:75,694,710, T>C on the plus strand (A>G on the coding strand, the complement: POC5 is on the minus strand). VCF-style: chr5-75694710-T-C. GRCh37 (hg19) VCF-style: chr5-74990535-T-C.
Other names: c.560A>G, p.Asn187Ser (NM_152408.3); short protein forms N187S, N212S.
Identifiers: ClinVar variation 2989154 (VCV002989154.3), dbSNP rs953763977, ClinGen allele CA120977319.
Genomic context (GRCh38, chr5:75,694,710, plus strand): 5'-AAGACCTCATCTTTTCTCCCAATGGAGATTTCAAAGGTTTTTTGCAGCTCCTTCAATTCA[T>C]TGATCTGATTACACAGTTGTTTTAAATGTGCTGCATGTTTTTCTTTCTCTTTTCTCATTT-3'
Protein context (NP_001092741.1, residues 202-222): AHLKQLCNQI[Asn212Ser]ELKELQKTFE